The following is an entry in ClinVar:

ClinVar aggregate classification (germline): Pathogenic (1 of 4 stars; one submission).

Submission:

Labcorp Genetics (formerly Invitae), Labcorp
Classification: Pathogenic. Last evaluated: 2020-09-24. Review status: criteria provided, single submitter. Criteria: Invitae Variant Classification Sherloc (09022015). Collection method: clinical testing. Allele origin: germline.
Comment: This variant is not present in population databases (ExAC no frequency). For these reasons, this variant has been classified as Pathogenic. Loss-of-function variants in COL4A5 are known to be pathogenic (PMID: 9195222, 10752524, 14514738, 24854265, 26809805). This variant has been observed in individual(s) with Alport syndrome (PMID: 25307721). This sequence change creates a premature translational stop signal (p.Gln1482*) in the COL4A5 gene. It is expected to result in an absent or disrupted protein product.

Literature cited by the submitters: PubMed 9195222; PubMed 10752524; PubMed 14514738; PubMed 24854265; PubMed 26809805; PubMed 25307721.

NM_033380.3(COL4A5):c.4462C>T (p.Gln1488Ter)

Gene: COL4A5 (collagen type IV alpha 5 chain; plus strand). Cytogenetic location: Xq22.3.
Variant type: single nucleotide variant.
Coding change: c.4462C>T on transcript NM_033380.3 (MANE Select); coding-DNA position 4462, C replaced by T.
Protein change: p.Gln1488Ter; replaces glutamine 1488 with a stop codon.
Molecular consequence: nonsense.
Genome position (GRCh38, 1-based): chrX:108,687,628, C>T. VCF-style: chrX-108687628-C-T. GRCh37 (hg19) VCF-style: chrX-107930858-C-T.
Other names: c.4444C>T, p.Gln1482Ter (NM_000495.5); short protein forms Q1482*, Q1488*.
Identifiers: ClinVar variation 1070192 (VCV001070192.9), dbSNP rs2147991545, ClinGen allele CA413854542.
Genomic context (GRCh38, chrX:108,687,628, plus strand): 5'-TTTCTTATTACACGCCACAGCCAGACAACGGATGCACCACAATGCCCACAGGGAACACTT[C>T]AGGTCTATGAAGGCTTTTCTCTCCTGTATGTACAAGGAAATAAAAGAGCCCACGGTCAAG-3'